The following is an entry in ClinVar:

NM_000289.6(PFKM):c.2137A>G (p.Met713Val)

Gene: PFKM (phosphofructokinase, muscle; plus strand). Cytogenetic location: 12q13.11.
Variant type: single nucleotide variant.
Coding change: c.2137A>G on transcript NM_000289.6 (MANE Select); coding-DNA position 2137, A replaced by G.
Protein change: p.Met713Val; replaces methionine 713 with valine.
Molecular consequence: missense variant. On other transcripts: non-coding transcript variant (6).
Genome position (GRCh38, 1-based): chr12:48,145,254, A>G. VCF-style: chr12-48145254-A-G. GRCh37 (hg19) VCF-style: chr12-48539037-A-G.
Other names: c.2350A>G, p.Met784Val (NM_001166686.2, NM_001354737.1, NM_001354738.1 and 1 more transcripts); c.2137A>G, p.Met713Val (NM_001166687.2, NM_001166688.2, NM_001354742.2 and 2 more transcripts); c.2446A>G, p.Met816Val (NM_001354735.1, NM_001354736.1); c.2281A>G, p.Met761Val (NM_001354740.1); c.2161A>G, p.Met721Val (NM_001354741.2); c.2050A>G, p.Met684Val (NM_001354745.2); c.2011A>G, p.Met671Val (NM_001354746.2); c.1987A>G, p.Met663Val (NM_001354747.2, NM_001354748.2); and 1 more; short protein forms M784V, M713V, M671V, M684V, M816V, M682V, M721V, M663V.
Identifiers: ClinVar variation 91909 (VCV000091909.2), dbSNP rs386352348, ClinGen allele CA232141.

ClinVar aggregate classification (germline): Uncertain significance (0 of 4 stars; one submission).

Allele frequency attached by ClinVar (database versions not stated): gnomAD exomes below 0.00001.
gnomAD v4.1: 1 of 1,614,072 alleles (0.000062%); highest among the groups gnomAD compares: Non-Finnish European, 0.000085%; no homozygotes.

Submission:

Richard Lifton Laboratory, Yale University School of Medicine
Classification: Uncertain significance. Review status: no assertion criteria provided. Collection method: not provided. Allele origin: somatic.
Comment: PFKM
ClinVar note: Converted during submission from unknown to Uncertain significance.